The following is an entry in ClinVar:

ClinVar aggregate classification (germline): Benign. Review status: criteria provided, single submitter (1 of 4 stars). 2 submissions from 2 submitters: Benign (1). 1 of the submissions does not count toward it. Last evaluated 2026-01-27.

Conditions:
KRT85-related disorder. Also called: KRT85-related condition.

Allele frequency attached by ClinVar (database versions not stated): ExAC 0.00159; gnomAD 0.00172; TOPMed 0.00200; 1000 Genomes Project 0.00240; 1000 Genomes Project 30x 0.00250; ESP Exome Variant Server 0.00254.
gnomAD v4.1: 4,182 of 1,614,134 alleles (0.26%); highest among the groups gnomAD compares: Non-Finnish European, 0.32%; 5 homozygotes.

Submissions (2):

Labcorp Genetics (formerly Invitae), Labcorp
Classification: Benign. Last evaluated: 2026-01-27. Review status: criteria provided, single submitter. Criteria: Invitae Variant Classification Sherloc (09022015). Collection method: clinical testing. Allele origin: germline.

PreventionGenetics, part of Exact Sciences
Classification: Likely benign for KRT85-related condition. Last evaluated: 2024-04-11. Review status: no assertion criteria provided. Collection method: clinical testing. Allele origin: germline. Not counted in ClinVar's aggregate classification.
Comment: This variant is classified as likely benign based on ACMG/AMP sequence variant interpretation guidelines (Richards et al. 2015 PMID: 25741868, with internal and published modifications).

NM_002283.4(KRT85):c.1020C>T (p.Asn340=)

Gene: KRT85 (keratin 85; minus strand). Cytogenetic location: 12q13.13.
Variant type: single nucleotide variant.
Coding change: c.1020C>T on transcript NM_002283.4 (MANE Select); coding-DNA position 1020, C replaced by T.
Protein change: p.Asn340=; no amino-acid change (asparagine 340 retained).
Molecular consequence: synonymous variant.
Genome position (GRCh38, 1-based): chr12:52,362,911, G>A on the plus strand (C>T on the coding strand, the complement: KRT85 is on the minus strand). VCF-style: chr12-52362911-G-A. GRCh37 (hg19) VCF-style: chr12-52756695-G-A.
Other names: c.384C>T, p.Asn128= (NM_001300810.1); c.1020C>T (NM_002283.3).
Identifiers: ClinVar variation 2020510 (VCV002020510.5), dbSNP rs143063799, ClinGen allele CA6578051.